The following is an entry in ClinVar:

ClinVar aggregate classification (germline): Uncertain significance. Review status: criteria provided, multiple submitters, no conflicts (2 of 4 stars). 2 submissions from 2 submitters: Uncertain significance (2). Last evaluated 2025-08-11.

Conditions:
Inborn genetic diseases. Identifiers: MedGen C0950123, MeSH D030342.
Acrocallosal syndrome (ACLS). Also called: HALLUX DUPLICATION, POSTAXIAL POLYDACTYLY, AND ABSENCE OF CORPUS CALLOSUM; Schinzel syndrome 1; Absence of corpus callosum with unusual facial appearance, mental deficiency, duplication of the halluces and polydactyly. Identifiers: Orphanet 36, MedGen C0796147, MONDO:0008708, OMIM 200990.

gnomAD v4.1: 27 of 1,608,692 alleles (0.0017%); highest among the groups gnomAD compares: Middle Eastern, 0.017%; no homozygotes.

Submissions (2):

Ambry Genetics
Classification: Uncertain significance for Inborn genetic diseases. Last evaluated: 2025-08-11. Review status: criteria provided, single submitter. Criteria: Ambry Variant Classification Scheme 2023. Collection method: clinical testing. Allele origin: germline.

Labcorp Genetics (formerly Invitae), Labcorp
Classification: Uncertain significance for Acrocallosal syndrome. Last evaluated: 2022-06-01. Review status: criteria provided, single submitter. Criteria: Invitae Variant Classification Sherloc (09022015). Collection method: clinical testing. Allele origin: germline.
Comment: This sequence change replaces arginine, which is basic and polar, with glutamine, which is neutral and polar, at codon 850 of the KIF7 protein (p.Arg850Gln). This variant is present in population databases (rs141514601, gnomAD 0.004%). This variant has not been reported in the literature in individuals affected with KIF7-related conditions. ClinVar contains an entry for this variant (Variation ID: 1365640). Algorithms developed to predict the effect of missense changes on protein structure and function (SIFT, PolyPhen-2, Align-GVGD) all suggest that this variant is likely to be disruptive. In summary, the available evidence is currently insufficient to determine the role of this variant in disease. Therefore, it has been classified as a Variant of Uncertain Significance.

NM_198525.3(KIF7):c.2549G>A (p.Arg850Gln)

Gene: KIF7 (kinesin family member 7; minus strand). Cytogenetic location: 15q26.1.
Variant type: single nucleotide variant.
Coding change: c.2549G>A on transcript NM_198525.3 (MANE Select); coding-DNA position 2549, G replaced by A.
Protein change: p.Arg850Gln; replaces arginine 850 with glutamine.
Molecular consequence: missense variant.
Genome position (GRCh38, 1-based): chr15:89,633,729, C>T on the plus strand (G>A on the coding strand, the complement: KIF7 is on the minus strand). VCF-style: chr15-89633729-C-T. GRCh37 (hg19) VCF-style: chr15-90176960-C-T.
Other names: c.2549G>A (NM_198525.2); short protein forms R850Q.
Identifiers: ClinVar variation 1365640 (VCV001365640.6), dbSNP rs141514601, ClinGen allele CA7728104.